The following is an entry in ClinVar:

ClinVar aggregate classification (germline): Uncertain significance (1 of 4 stars; one submission).

Conditions:
Hereditary cancer-predisposing syndrome. Also called: Neoplastic Syndromes, Hereditary; Tumor predisposition; Hereditary neoplastic syndrome; Hereditary Cancer Syndrome. Identifiers: Orphanet 140162, MedGen C0027672, MeSH D009386, MONDO:0015356.

Submission:

Ambry Genetics
Classification: Uncertain significance for Hereditary cancer-predisposing syndrome. Last evaluated: 2023-11-29. Review status: criteria provided, single submitter. Criteria: Ambry Variant Classification Scheme 2023. Collection method: clinical testing. Allele origin: germline.
Comment: The c.3471_3482dup12 variant (also known as p.I1158_V1161dup), located in coding exon 23 of the ATM gene, results from an in-frame duplication of 12 nucleotides at nucleotide positions 3471 to 3482. This results in the duplication of 4 extra residues (IAVV) between codons 1158 and 1161. This amino acid region is not well conserved in available vertebrate species.In addition, this alteration is predicted to be deleterious by in silico analysis (Choi Y et al. PLoS ONE. 2012; 7(10):e46688). Since supporting evidence is limited at this time, the clinical significance of this alteration remains unclear.

NM_000051.4(ATM):c.3471_3482dup (p.Val1161_Leu1162insIleAlaValVal)

Gene: ATM (ATM serine/threonine kinase; plus strand). Cytogenetic location: 11q22.3.
Variant type: Duplication.
Coding change: c.3471_3482dup on transcript NM_000051.4 (MANE Select); coding-DNA positions 3471 to 3482, 12 bases duplicated (GATAGCTGTGGT).
Protein change: p.Val1161_Leu1162insIleAlaValVal.
Molecular consequence: inframe insertion. On other transcripts: inframe indel (1).
Genome position (GRCh38, 1-based): chr11:108,281,063-108,281,074, GATAGCTGTGGT duplicated; duplicating any 12 consecutive bases within chr11:108,281,062-108,281,074 gives the same sequence; the c. name uses the placement nearest the transcript's 3' end. VCF-style (leftmost placement, unchanged base first): chr11-108281061-T-TTGATAGCTGTGG. GRCh37 (hg19) VCF-style: chr11-108151788-T-TTGATAGCTGTGG.
Other names: c.3471_3482dup, p.Val1161_Leu1162insIleAlaValVal (NM_001351834.2); c.3471_3482dupGATAGCTGTGGT (NM_000051.3).
Identifiers: ClinVar variation 3233046 (VCV003233046.1), dbSNP rs2546870161, ClinGen allele CA2825001831.